The following is an entry in ClinVar:

NM_000540.3(RYR1):c.8305G>A (p.Asp2769Asn)

Gene: RYR1 (ryanodine receptor 1; plus strand). Cytogenetic location: 19q13.2.
Variant type: single nucleotide variant.
Coding change: c.8305G>A on transcript NM_000540.3 (MANE Select); coding-DNA position 8305, G replaced by A.
Protein change: p.Asp2769Asn; replaces aspartic acid 2769 with asparagine.
Molecular consequence: missense variant.
Genome position (GRCh38, 1-based): chr19:38,505,076, G>A. VCF-style: chr19-38505076-G-A. GRCh37 (hg19) VCF-style: chr19-38995716-G-A.
Other names: c.8305G>A, p.Asp2769Asn (NM_001042723.2); short protein forms D2769N.
Identifiers: ClinVar variation 167619 (VCV000167619.19), dbSNP rs566495420, ClinGen allele CA024905.

ClinVar aggregate classification (germline): Conflicting classifications of pathogenicity. Review status: criteria provided, conflicting classifications (1 of 4 stars). 5 submissions from 5 submitters: Uncertain significance (3); Likely benign (2). Last evaluated 2025-10-09.

Conditions:
RYR1-related disorder. Also called: RYR1-related disorders; RYR1-related condition. Identifiers: MedGen CN239331.
Malignant hyperthermia, susceptibility to, 1 (MHS1). Also called: Malignant hyperthermia suceptibility 1; Anesthesia related hyperthermia; Malignant hyperpyrexia; Fulminating hyperpyrexia; Pharmacogenic myopathy; RYR1-Related Malignant Hyperthermia Susceptibility. Identifiers: Orphanet 423, MedGen C2930980, MONDO:0007783, OMIM 145600.

Allele frequency attached by ClinVar (database versions not stated): gnomAD 0.00004; TOPMed 0.00011; ExAC 0.00017; 1000 Genomes Project 0.00020; gnomAD exomes 0.00020; 1000 Genomes Project 30x 0.00031.
gnomAD v4.1: 51 of 1,614,008 alleles (0.0032%); highest among the groups gnomAD compares: East Asian, 0.087%; no homozygotes.

Submissions (5):

Labcorp Genetics (formerly Invitae), Labcorp
Classification: Likely benign for RYR1-related disorder. Last evaluated: 2025-10-09. Review status: criteria provided, single submitter. Criteria: Invitae Variant Classification Sherloc (09022015). Collection method: clinical testing. Allele origin: germline.

Color Diagnostics, LLC DBA Color Health
Classification: Likely benign for Malignant hyperthermia, susceptibility to, 1. Last evaluated: 2022-11-06. Review status: criteria provided, single submitter. Criteria: ACMG Guidelines, 2015. Collection method: clinical testing. Allele origin: germline.

Revvity Omics, Revvity
Classification: Uncertain significance. Last evaluated: 2020-01-21. Review status: criteria provided, single submitter. Criteria: ACMG Guidelines, 2015. Collection method: clinical testing. Allele origin: germline.

Eurofins Ntd Llc (ga)
Classification: Uncertain significance. Last evaluated: 2013-12-18. Review status: criteria provided, single submitter. Criteria: EGL Classification Definitions 2015. Collection method: clinical testing. Allele origin: germline. Observed: 1 variant allele, 1 heterozygote.

Biesecker Lab/Clinical Genomics Section, National Institutes of Health
Classification: Uncertain significance for Malignant hyperthermia, susceptibility to, 1. Last evaluated: 2013-07-01. Review status: criteria provided, single submitter. Criteria: Gonsalves et al. 2013. Collection method: research. Allele origin: unknown. Observed: 1 variant allele. Study: ClinSeq.
Comment: The study set was not selected for affection status in relation to any myopathy. Pathogenicity categories were based on literature curation. See Pubmed ID: 24195946 for details.